The following is an entry in ClinVar:

ClinVar aggregate classification (germline): Uncertain significance (1 of 4 stars; one submission).

Conditions:
Emery-Dreifuss muscular dystrophy (EDMD). Also called: Scapuloperoneal syndrome, X-linked (formerly); Humeroperoneal neuromuscular disease, (formerly). Identifiers: Orphanet 261, MedGen C0410189, MONDO:0016830.

Submission:

Labcorp Genetics (formerly Invitae), Labcorp
Classification: Uncertain significance for Emery-Dreifuss muscular dystrophy. Last evaluated: 2022-07-26. Review status: criteria provided, single submitter. Criteria: Invitae Variant Classification Sherloc (09022015). Collection method: clinical testing. Allele origin: germline.
Comment: In summary, the available evidence is currently insufficient to determine the role of this variant in disease. Therefore, it has been classified as a Variant of Uncertain Significance. Algorithms developed to predict the effect of missense changes on protein structure and function are either unavailable or do not agree on the potential impact of this missense change (SIFT: "Deleterious"; PolyPhen-2: "Benign"; Align-GVGD: "Class C0"). This variant has not been reported in the literature in individuals affected with SUN1-related conditions. This variant is not present in population databases (gnomAD no frequency). This sequence change replaces alanine, which is neutral and non-polar, with glutamic acid, which is acidic and polar, at codon 241 of the SUN1 protein (p.Ala241Glu).

NM_001130965.3(SUN1):c.722C>A (p.Ala241Glu)

Gene: SUN1 (Sad1 and UNC84 domain containing 1; plus strand). Cytogenetic location: 7p22.3.
Variant type: single nucleotide variant.
Coding change: c.722C>A on transcript NM_001130965.3 (MANE Select); coding-DNA position 722, C replaced by A.
Protein change: p.Ala241Glu; replaces alanine 241 with glutamic acid.
Molecular consequence: missense variant. On other transcripts: non-coding transcript variant (3), intron variant (12), synonymous variant (1).
Genome position (GRCh38, 1-based): chr7:851,447, C>A. VCF-style: chr7-851447-C-A. GRCh37 (hg19) VCF-style: chr7-891084-C-A.
Other names: c.965C>A, p.Ala322Glu (NM_001367636.1, NM_001367691.1, NM_001367655.1 and 1 more transcripts); c.833C>A, p.Ala278Glu (NM_001367638.1, NM_001367696.1, NM_001367664.1 and 1 more transcripts); c.266C>A, p.Ala89Glu (NM_001367639.1); c.1004C>A, p.Ala335Glu (NM_001367641.1, NM_001367698.1, NM_001367682.1); c.917C>A, p.Ala306Glu (NM_001367643.1, NM_001367693.1, NM_001367697.1); c.656C>A, p.Ala219Glu (NM_001367644.1, NM_001367701.1, NM_001367680.1); c.683C>A, p.Ala228Glu (NM_001367645.1, NM_001367667.1, NM_001367689.1 and 1 more transcripts); c.854C>A, p.Ala285Glu (NM_001367646.1, NM_001367673.1, NM_001367706.1 and 1 more transcripts); and 24 more; short protein forms A191E, A256E, A257E, A294E, A322E, R126S, A285E, A306E.
Identifiers: ClinVar variation 2088613 (VCV002088613.4), dbSNP rs369311027, ClinGen allele CA366528873.
Genomic context (GRCh38, chr7:851,447, plus strand): 5'-ACTTCTTGCTGCAGATTCTGCGCAGGATCGGAGCTGTGGGCCAGGCTGTGTCCAGGACGG[C>A]GTGGTCGGCCCTTTGGCTGGCCGTGGTTGCTCCAGGTGGCTATTTTGGGTTTCTGTGTTG-3'
Protein context (NP_001124437.1, residues 231-251): GAVGQAVSRT[Ala241Glu]WSALWLAVVA